The following is an entry in ClinVar:

ClinVar aggregate classification (germline): Likely benign (1 of 4 stars; one submission).

Allele frequency attached by ClinVar (database versions not stated): gnomAD 0.00147; gnomAD exomes 0.00167; ExAC 0.00406; ESP Exome Variant Server 0.00491.
gnomAD v4.1: 714 of 393,417 alleles (0.18%); highest among the groups gnomAD compares: Middle Eastern, 0.77%; no homozygotes.

Submission:

CeGaT Center for Human Genetics Tuebingen
Classification: Likely benign. Last evaluated: 2022-08-01. Review status: criteria provided, single submitter. Criteria: CeGaT Center For Human Genetics Tuebingen Variant Classification Criteria Version 2. Collection method: clinical testing. Allele origin: germline. Affected: yes. Observed: 1 variant allele.
Comment: USP9Y: BP4, BP7

NM_004654.4(USP9Y):c.2661C>T (p.Leu887=)

Gene: USP9Y (ubiquitin specific peptidase 9 Y-linked; plus strand). Cytogenetic location: Yq11.221.
Variant type: single nucleotide variant.
Coding change: c.2661C>T on transcript NM_004654.4 (MANE Select); coding-DNA position 2661, C replaced by T.
Protein change: p.Leu887=; no amino-acid change (leucine 887 retained).
Molecular consequence: synonymous variant.
Genome position (GRCh38, 1-based): chrY:12,778,040, C>T. VCF-style: chrY-12778040-C-T. GRCh37 (hg19) VCF-style: chrY-14889974-C-T.
Identifiers: ClinVar variation 2661886 (VCV002661886.24), dbSNP rs34601266, ClinGen allele CA10573193.